The following is an entry in ClinVar:

ClinVar aggregate classification (germline): Uncertain significance (0 of 4 stars; one submission).

Conditions:
JAK2-related disorder. Also called: JAK2-related condition.

gnomAD v4.1: 4 of 1,609,768 alleles (0.00025%); highest among the groups gnomAD compares: Non-Finnish European, 0.00025%; no homozygotes.

Submission:

PreventionGenetics, part of Exact Sciences
Classification: Uncertain significance for JAK2-related condition. Last evaluated: 2024-08-26. Review status: no assertion criteria provided. Collection method: clinical testing. Allele origin: germline.
Comment: The JAK2 c.3368T>G variant is predicted to result in the amino acid substitution p.Val1123Gly. This variant has been reported as a germline variant in the compound heterozygous state in two siblings affected with essential thrombocythemia (Ricci et al. 2016. DOI 10.1182/blood.V128.22.3137.3137). This variant has not been reported in a large population database, indicating this variant is rare. At this time, the clinical significance of this variant is uncertain due to the absence of conclusive functional and genetic evidence.

NM_004972.4(JAK2):c.3368T>G (p.Val1123Gly)

Genes: INSL6 (insulin like 6; minus strand), JAK2 (Janus kinase 2; plus strand). Cytogenetic location: 9p24.1.
Variant type: single nucleotide variant.
Coding change: c.3368T>G on transcript NM_004972.4 (MANE Select); coding-DNA position 3368, T replaced by G.
Protein change: p.Val1123Gly; replaces valine 1123 with glycine.
Molecular consequence: missense variant. On other transcripts: non-coding transcript variant (2).
Genome position (GRCh38, 1-based): chr9:5,126,760, T>G. VCF-style: chr9-5126760-T-G. GRCh37 (hg19) VCF-style: chr9-5126760-T-G.
Other names: c.3368T>G, p.Val1123Gly (NM_001322194.2, NM_001322195.2, NM_001322196.2); c.2153T>G, p.Val718Gly (NM_001322198.2, NM_001322199.2); c.2921T>G, p.Val974Gly (NM_001322204.2); short protein forms V1123G, V718G, V974G.
Identifiers: ClinVar variation 3344990 (VCV003344990.1).